The following is an entry in ClinVar:

ClinVar aggregate classification (germline): Uncertain significance (1 of 4 stars; one submission).

Allele frequency attached by ClinVar (database versions not stated): gnomAD exomes below 0.00001.
gnomAD v4.1: 1 of 1,612,182 alleles (0.000062%); highest among the groups gnomAD compares: Non-Finnish European, 0.000085%; no homozygotes.

Submission:

GeneDx
Classification: Uncertain significance. Last evaluated: 2021-01-22. Review status: criteria provided, single submitter. Criteria: GeneDx Variant Classification Process June 2021. Collection method: clinical testing. Allele origin: germline. Affected: yes.
Comment: Not observed in large population cohorts (Lek et al., 2016); In silico analysis supports that this missense variant has a deleterious effect on protein structure/function; Has not been previously published as pathogenic or benign to our knowledge

NM_005068.3(SIM1):c.158G>A (p.Arg53Lys)

Gene: SIM1 (SIM bHLH transcription factor 1; minus strand). Cytogenetic location: 6q16.3.
Variant type: single nucleotide variant.
Coding change: c.158G>A on transcript NM_005068.3 (MANE Select); coding-DNA position 158, G replaced by A.
Protein change: p.Arg53Lys; replaces arginine 53 with lysine.
Molecular consequence: missense variant.
Genome position (GRCh38, 1-based): chr6:100,463,311, C>T on the plus strand (G>A on the coding strand, the complement: SIM1 is on the minus strand). VCF-style: chr6-100463311-C-T. GRCh37 (hg19) VCF-style: chr6-100911187-C-T.
Other names: c.158G>A, p.Arg53Lys (NM_001374769.1); short protein forms R53K.
Identifiers: ClinVar variation 1312634 (VCV001312634.2), dbSNP rs2114562279, ClinGen allele CA365130378.